The following is an entry in ClinVar:

NM_152564.5(VPS13B):c.5273A>T (p.Glu1758Val)

Gene: VPS13B (vacuolar protein sorting 13 homolog B; plus strand). Cytogenetic location: 8q22.2.
Variant type: single nucleotide variant.
Coding change: c.5273A>T on transcript NM_152564.5 (MANE Select); coding-DNA position 5273, A replaced by T.
Protein change: p.Glu1758Val; replaces glutamic acid 1758 with valine.
Molecular consequence: missense variant.
Genome position (GRCh38, 1-based): chr8:99,641,863, A>T. VCF-style: chr8-99641863-A-T. GRCh37 (hg19) VCF-style: chr8-100654091-A-T.
Other names: c.5348A>T, p.Glu1783Val (NM_017890.5); short protein forms E1758V, E1783V.
Identifiers: ClinVar variation 4995417 (VCV004995417.1).

ClinVar aggregate classification (germline): Uncertain significance (1 of 4 stars; one submission).

Conditions:
VPS13B-related disorder. Also called: VPS13B-related condition.

Submission:

PreventionGenetics, part of Exact Sciences
Classification: Uncertain significance for VPS13B-related condition. Last evaluated: 2026-09-21. Review status: criteria provided, single submitter. Criteria: ACMG Guidelines, 2015. Collection method: clinical testing. Allele origin: germline.
Comment: The VPS13B c.5273A>T variant is predicted to result in the amino acid substitution p.Glu1758Val. To our knowledge, this variant has not been reported in the literature or in a large population database (gnomAD), indicating this variant is rare. At this time, the clinical significance of this variant is uncertain due to the absence of conclusive functional and genetic evidence.